The following is an entry in ClinVar:

NM_015331.3(NCSTN):c.455A>G (p.Tyr152Cys)

Gene: NCSTN (nicastrin; plus strand). Cytogenetic location: 1q23.2.
Variant type: single nucleotide variant.
Coding change: c.455A>G on transcript NM_015331.3 (MANE Select); coding-DNA position 455, A replaced by G.
Protein change: p.Tyr152Cys; replaces tyrosine 152 with cysteine.
Molecular consequence: missense variant.
Genome position (GRCh38, 1-based): chr1:160,350,123, A>G. VCF-style: chr1-160350123-A-G. GRCh37 (hg19) VCF-style: chr1-160319913-A-G.
Other names: c.395A>G, p.Tyr132Cys (NM_001290184.2); c.455A>G, p.Tyr152Cys (NM_001290186.2, NM_001349729.2); c.455A>G (NM_015331.2); short protein forms Y132C, Y152C.
Identifiers: ClinVar variation 2893164 (VCV002893164.4), dbSNP rs200491593, ClinGen allele CA1198730.

ClinVar aggregate classification (germline): Uncertain significance. Review status: criteria provided, multiple submitters, no conflicts (2 of 4 stars). 2 submissions from 2 submitters: Uncertain significance (2). Last evaluated 2023-12-14.

Conditions:
Inborn genetic diseases. Identifiers: MedGen C0950123, MeSH D030342.

Allele frequency attached by ClinVar (database versions not stated): gnomAD 0.00001; gnomAD exomes 0.00002; TOPMed 0.00002; ExAC 0.00004.
gnomAD v4.1: 35 of 1,613,844 alleles (0.0022%); highest among the groups gnomAD compares: South Asian, 0.0055%; no homozygotes.

Submissions (2):

Ambry Genetics
Classification: Uncertain significance for Inborn genetic diseases. Last evaluated: 2023-12-14. Review status: criteria provided, single submitter. Criteria: Ambry Variant Classification Scheme 2023. Collection method: clinical testing. Allele origin: germline.

Labcorp Genetics (formerly Invitae), Labcorp
Classification: Uncertain significance. Last evaluated: 2023-03-31. Review status: criteria provided, single submitter. Criteria: Invitae Variant Classification Sherloc (09022015). Collection method: clinical testing. Allele origin: germline.
Comment: This sequence change replaces tyrosine, which is neutral and polar, with cysteine, which is neutral and slightly polar, at codon 152 of the NCSTN protein (p.Tyr152Cys). This variant is present in population databases (rs200491593, gnomAD 0.02%). This variant has not been reported in the literature in individuals affected with NCSTN-related conditions. An algorithm developed to predict the effect of missense changes on protein structure and function (PolyPhen-2) suggests that this variant is likely to be tolerated. In summary, the available evidence is currently insufficient to determine the role of this variant in disease. Therefore, it has been classified as a Variant of Uncertain Significance.